The following is an entry in ClinVar:

NM_006939.4(SOS2):c.1523A>G (p.His508Arg)

Gene: SOS2 (SOS Ras/Rho guanine nucleotide exchange factor 2; minus strand). Cytogenetic location: 14q21.3.
Variant type: single nucleotide variant.
Coding change: c.1523A>G on transcript NM_006939.4 (MANE Select); coding-DNA position 1523, A replaced by G.
Protein change: p.His508Arg; replaces histidine 508 with arginine.
Molecular consequence: missense variant.
Genome position (GRCh38, 1-based): chr14:50,159,760, T>C on the plus strand (A>G on the coding strand, the complement: SOS2 is on the minus strand). VCF-style: chr14-50159760-T-C. GRCh37 (hg19) VCF-style: chr14-50626478-T-C.
Other names: c.1424A>G, p.His475Arg (NM_001411020.1); short protein forms H475R, H508R.
Identifiers: ClinVar variation 2563218 (VCV002563218.4), dbSNP rs1372822403, ClinGen allele CA389645576.

ClinVar aggregate classification (germline): Conflicting classifications of pathogenicity. Review status: criteria provided, conflicting classifications (1 of 4 stars). 2 submissions from 2 submitters: Uncertain significance (1); Likely benign (1). Last evaluated 2024-06-23.

Conditions:
Cardiovascular phenotype. Identifiers: MedGen CN230736.
Noonan syndrome 9 (NS9). Identifiers: Orphanet 648, MedGen C4225282, MONDO:0014691, OMIM 616559.

Allele frequency attached by ClinVar (database versions not stated): gnomAD exomes below 0.00001; TOPMed 0.00001.
gnomAD v4.1: 5 of 1,614,082 alleles (0.00031%); highest among the groups gnomAD compares: Admixed American, 0.0033%; no homozygotes.

Submissions (2):

Labcorp Genetics (formerly Invitae), Labcorp
Classification: Likely benign for Noonan syndrome 9. Last evaluated: 2024-06-23. Review status: criteria provided, single submitter. Criteria: Invitae Variant Classification Sherloc (09022015). Collection method: clinical testing. Allele origin: germline.

Ambry Genetics
Classification: Uncertain significance for Cardiovascular phenotype. Last evaluated: 2023-05-14. Review status: criteria provided, single submitter. Criteria: Ambry Variant Classification Scheme 2023. Collection method: clinical testing. Allele origin: germline.
Comment: The p.H508R variant (also known as c.1523A>G), located in coding exon 10 of the SOS2 gene, results from an A to G substitution at nucleotide position 1523. The histidine at codon 508 is replaced by arginine, an amino acid with highly similar properties. This amino acid position is conserved. In addition, this alteration is predicted to be tolerated by in silico analysis. Since supporting evidence is limited at this time, the clinical significance of this alteration remains unclear.